The following is an entry in ClinVar:

ClinVar aggregate classification (germline): Pathogenic (1 of 4 stars; one submission).

Conditions:
Marfan syndrome (MFS). Also called: MARFAN SYNDROME, TYPE I; Marfan syndrome type 1; Marfan's syndrome; Marfan syndrome, classic; FBN1-Related Marfan Syndrome. Identifiers: Orphanet 284963, Orphanet 558, MedGen C0024796, MONDO:0007947, OMIM 154700.
Familial thoracic aortic aneurysm and aortic dissection (TAAD). Also called: Thoracic aortic aneurysms and dissections. Identifiers: Orphanet 91387, MedGen C4707243, MONDO:0019625.

Submission:

Labcorp Genetics (formerly Invitae), Labcorp
Classification: Pathogenic for Marfan syndrome; Familial thoracic aortic aneurysm and aortic dissection. Last evaluated: 2023-06-19. Review status: criteria provided, single submitter. Criteria: Invitae Variant Classification Sherloc (09022015). Collection method: clinical testing. Allele origin: germline.
Comment: Variants that disrupt the consensus splice site are a relatively common cause of aberrant splicing (PMID: 17576681, 9536098). Algorithms developed to predict the effect of sequence changes on RNA splicing suggest that this variant may disrupt the consensus splice site. This variant has been observed in individual(s) with Marfan syndrome (Invitae). In at least one individual the variant was observed to be de novo. This variant is not present in population databases (gnomAD no frequency). This sequence change falls in intron 58 of the FBN1 gene. It does not directly change the encoded amino acid sequence of the FBN1 protein. It affects a nucleotide within the consensus splice site. This variant disrupts the c.7204+3A nucleotide in the FBN1 gene. Other variant(s) that disrupt this nucleotide have been determined to be pathogenic (Invitae). This suggests that this nucleotide is clinically significant, and that variants that disrupt this position are likely to be disease-causing. For these reasons, this variant has been classified as Pathogenic.

Literature cited by the submitters: PubMed 17576681; PubMed 9536098.

NM_000138.5(FBN1):c.7204+3A>T

Gene: FBN1 (fibrillin 1; minus strand). Cytogenetic location: 15q21.1.
Variant type: single nucleotide variant.
Coding change: c.7204+3A>T on transcript NM_000138.5 (MANE Select); 3 bases into the intron after coding-DNA position 7204, A replaced by T.
Molecular consequence: intron variant.
Genome position (GRCh38, 1-based): chr15:48,427,564, T>A on the plus strand (A>T on the coding strand, the complement: FBN1 is on the minus strand). VCF-style: chr15-48427564-T-A. GRCh37 (hg19) VCF-style: chr15-48719761-T-A.
Other names: c.7204+3A>T (NM_001406716.1).
Identifiers: ClinVar variation 2932530 (VCV002932530.3), dbSNP rs1057518076, ClinGen allele CA2740096557.